The following is an entry in ClinVar:

NM_024809.5(TCTN2):c.703del (p.Leu235fs)

Gene: TCTN2 (tectonic family member 2; plus strand). Cytogenetic location: 12q24.31.
Variant type: Deletion.
Coding change: c.703del on transcript NM_024809.5 (MANE Select); coding-DNA position 703, one base deleted (C; older notation c.703delC).
Protein change: p.Leu235fs; shifts the reading frame from leucine 235.
Molecular consequence: frameshift variant.
Genome position (GRCh38, 1-based): chr12:123,686,974, C deleted. VCF-style (leftmost placement, unchanged base first): chr12-123686973-TC-T. GRCh37 (hg19) VCF-style: chr12-124171520-TC-T.
Other names: c.700del, p.Leu234fs (NM_001143850.3); short protein forms L234fs, L235fs.
Identifiers: ClinVar variation 212389 (VCV000212389.16), dbSNP rs760830696, ClinGen allele CA209281.

ClinVar aggregate classification (germline): Pathogenic/Likely pathogenic. Review status: criteria provided, multiple submitters, no conflicts (2 of 4 stars). 7 submissions from 7 submitters: Pathogenic (4); Likely pathogenic (3). Last evaluated 2024-04-12.

Conditions:
Joubert syndrome 24 (JBTS24). Identifiers: Orphanet 475, MedGen C4084841, MONDO:0014724, OMIM 616654.
Meckel syndrome, type 8. Identifiers: Orphanet 564, MedGen C3836857, MONDO:0013482, OMIM 613885.
TCTN2-related disorder. Also called: TCTN2-related condition; TCTN2-related disorders. Identifiers: MedGen CN239412.
Meckel-Gruber syndrome. Also called: DYSENCEPHALIA SPLANCHNOCYSTICA; Dysencephalia splachnocystica; GRUBER SYNDROME. Identifiers: Orphanet 564, MedGen C0265215, MONDO:0018921.
Joubert syndrome. Also called: Familial aplasia of the vermis; JOUBERT-BOLTSHAUSER SYNDROME. Identifiers: Orphanet 475, MedGen C5979921, MONDO:0018772.
Joubert syndrome and related disorders. Identifiers: Orphanet 140874, MedGen C5679612, MONDO:0015369.

Allele frequency attached by ClinVar (database versions not stated): ExAC 0.00001; gnomAD 0.00002; gnomAD exomes 0.00002; TOPMed 0.00002; ESP Exome Variant Server 0.00008.

Submissions (7):

Fulgent Genetics
Classification: Likely pathogenic for Meckel syndrome, type 8; Joubert syndrome 24. Last evaluated: 2024-04-12. Review status: criteria provided, single submitter. Criteria: ACMG Guidelines, 2015. Collection method: clinical testing. Allele origin: germline.

Labcorp Genetics (formerly Invitae), Labcorp
Classification: Pathogenic for Joubert syndrome; Meckel-Gruber syndrome. Last evaluated: 2023-09-05. Review status: criteria provided, single submitter. Criteria: Invitae Variant Classification Sherloc (09022015). Collection method: clinical testing. Allele origin: germline.
Comment: This sequence change creates a premature translational stop signal (p.Leu235Cysfs*52) in the TCTN2 gene. It is expected to result in an absent or disrupted protein product. Loss-of-function variants in TCTN2 are known to be pathogenic (PMID: 21565611). This variant is present in population databases (rs760830696, gnomAD 0.007%). For these reasons, this variant has been classified as Pathogenic. ClinVar contains an entry for this variant (Variation ID: 212389). This variant has not been reported in the literature in individuals affected with TCTN2-related conditions.

Women's Health and Genetics/Laboratory Corporation of America, LabCorp
Classification: Likely pathogenic for Joubert syndrome and related disorders. Last evaluated: 2022-12-27. Review status: criteria provided, single submitter. Criteria: LabCorp Variant Classification Summary - May 2015. Collection method: clinical testing. Allele origin: germline.
Comment: Variant summary: TCTN2 c.703delC (p.Leu235CysfsX52) results in a premature termination codon, predicted to cause a truncation of the encoded protein or absence of the protein due to nonsense mediated decay, which are commonly known mechanisms for disease. Truncations downstream of this position have been reported in affected individuals (HGMD). The variant was absent in 251488 control chromosomes (gnomAD). To our knowledge, no occurrence of c.703delC in individuals affected with Joubert Syndrome and Related Disorders and no experimental evidence demonstrating its impact on protein function have been reported. Three clinical diagnostic laboratories have submitted clinical-significance assessments for this variant to ClinVar after 2014 without evidence for independent evaluation, and all of them classified the variant as pathogenic. Based on the evidence outlined above, the variant was classified as likely pathogenic.

Blueprint Genetics
Classification: Likely pathogenic for TCTN2-related disorders. Last evaluated: 2022-03-21. Review status: criteria provided, single submitter. Criteria: ACMG Guidelines, 2015. Collection method: clinical testing. Allele origin: germline. Affected: yes. Observed: 4 variant alleles.

Johns Hopkins Genomics, Johns Hopkins University
Classification: Pathogenic for Joubert syndrome 24. Last evaluated: 2021-01-13. Review status: criteria provided, single submitter. Criteria: ACMG Guidelines, 2015. Collection method: clinical testing. Allele origin: germline.
Comment: This TCTN2 variant is absent in a large population dataset and has an entry in ClinVar. This 1-bp deletion results in a frameshift in exon 6 of 18 that is predicted to introduce a premature termination codon (PTC), likely leading to nonsense-mediated decay and lack of protein production. This variant alone is not expected to cause Meckel syndrome 8. We consider c.703delC to be pathogenic.

GeneDx
Classification: Pathogenic. Last evaluated: 2016-07-08. Review status: criteria provided, single submitter. Criteria: GeneDx Variant Classification (06012015). Collection method: clinical testing. Allele origin: germline. Affected: yes.
Comment: The c.703delC pathogenic variant in the TCTN2 gene causes a frameshift starting with codon Leucine 235, changes this amino acid to a Cysteine residue and creates a premature Stop codon at position 52 of the new reading frame, denoted p.L235CfsX52. This pathogenic variant is predicted to cause loss of normal protein function either through protein truncation or nonsense-mediated mRNA decay. It was not observed with any significant frequency in approximately 6,500 individuals of European and African American ancestry in the NHLBI Exome Sequencing Project, indicating it is not a common benign variant in these populations. Although this variant has not been previously reported to our knowledge, it is interpreted as a pathogenic variant.

Genetic Services Laboratory, University of Chicago
Classification: Pathogenic for Meckel syndrome 8. Last evaluated: 2015-02-19. Review status: criteria provided, single submitter. Criteria: ACMG Guidelines, 2015. Collection method: clinical testing. Allele origin: germline. Affected: yes.

Literature cited by the submitters: PubMed 21565611 (cited by Labcorp Genetics (formerly Invitae), Labcorp and Johns Hopkins Genomics, Johns Hopkins University); PubMed 21462283 (cited by Johns Hopkins Genomics, Johns Hopkins University); PubMed 25118024 (cited by Johns Hopkins Genomics, Johns Hopkins University).